The following is an entry in ClinVar:

NM_000264.5(PTCH1):c.4330A>C (p.Ser1444Arg)

Gene: PTCH1 (patched 1; minus strand). Cytogenetic location: 9q22.32.
Variant type: single nucleotide variant.
Coding change: c.4330A>C on transcript NM_000264.5 (MANE Select); coding-DNA position 4330, A replaced by C.
Protein change: p.Ser1444Arg; replaces serine 1444 with arginine.
Molecular consequence: missense variant. On other transcripts: non-coding transcript variant (1).
Genome position (GRCh38, 1-based): chr9:95,446,926, T>G on the plus strand (A>C on the coding strand, the complement: PTCH1 is on the minus strand). VCF-style: chr9-95446926-T-G. GRCh37 (hg19) VCF-style: chr9-98209208-T-G.
Other names: c.4132A>C, p.Ser1378Arg (NM_001083602.3); c.4327A>C, p.Ser1443Arg (NM_001083603.3); c.3877A>C, p.Ser1293Arg (NM_001083604.3, NM_001083605.3, NM_001083606.3 and 1 more transcripts); c.4174A>C, p.Ser1392Arg (NM_001354918.2); short protein forms S1443R, S1293R, S1444R, S1378R, S1392R.
Identifiers: ClinVar variation 2195549 (VCV002195549.5), dbSNP rs2537993881, ClinGen allele CA374109807.
Genomic context (GRCh38, chr9:95,446,926, plus strand): 5'-TGCCTGGCTCTAGGTCCCTTGGCTGCCCTTGTCAGTGGCACTCACCTCAGTTGGAGCTGC[T>G]TCCCCGGGGCCTCTCCTCGCATTCCACGTCCTGCAGCTCAATGACTTCCACCTTCGAATC-3'
Protein context (NP_000255.2, residues 1434-1447): DVECEERPRG[Ser1444Arg]SSN

ClinVar aggregate classification (germline): Uncertain significance. Review status: criteria provided, multiple submitters, no conflicts (2 of 4 stars). 2 submissions from 2 submitters: Uncertain significance (2). Last evaluated 2025-10-29.

Conditions:
Hereditary cancer-predisposing syndrome. Also called: Neoplastic Syndromes, Hereditary; Hereditary Cancer Syndrome; Hereditary neoplastic syndrome; Tumor predisposition. Identifiers: Orphanet 140162, MedGen C0027672, MeSH D009386, MONDO:0015356.
Gorlin syndrome. Also called: Nevoid Basal Cell Carcinoma Syndrome; Basal cell nevus syndrome. Identifiers: Orphanet 377, MedGen C0004779, MONDO:0007187.

Allele frequency attached by ClinVar (database versions not stated): gnomAD exomes below 0.00001.
gnomAD v4.1: 1 of 1,614,056 alleles (0.000062%); highest among the groups gnomAD compares: South Asian, 0.0011%; no homozygotes.

Submissions (2):

Labcorp Genetics (formerly Invitae), Labcorp
Classification: Uncertain significance for Gorlin syndrome. Last evaluated: 2025-10-29. Review status: criteria provided, single submitter. Criteria: Invitae Variant Classification Sherloc (09022015). Collection method: clinical testing. Allele origin: germline.
Comment: This sequence change replaces serine, which is neutral and polar, with arginine, which is basic and polar, at codon 1444 of the PTCH1 protein (p.Ser1444Arg). This variant is not present in population databases (gnomAD no frequency). This variant has not been reported in the literature in individuals affected with PTCH1-related conditions. ClinVar contains an entry for this variant (Variation ID: 2195549). Invitae Evidence Modeling of protein sequence and biophysical properties (such as structural, functional, and spatial information, amino acid conservation, physicochemical variation, residue mobility, and thermodynamic stability) indicates that this missense variant is not expected to disrupt PTCH1 protein function with a negative predictive value of 95%. In summary, the available evidence is currently insufficient to determine the role of this variant in disease. Therefore, it has been classified as a Variant of Uncertain Significance.

Ambry Genetics
Classification: Uncertain significance for Hereditary cancer-predisposing syndrome. Last evaluated: 2025-08-22. Review status: criteria provided, single submitter. Criteria: Ambry Variant Classification Scheme 2023. Collection method: clinical testing. Allele origin: germline.
Comment: The p.S1444R variant (also known as c.4330A>C), located in coding exon 23 of the PTCH1 gene, results from an A to C substitution at nucleotide position 4330. The serine at codon 1444 is replaced by arginine, an amino acid with dissimilar properties. This amino acid position is conserved. In addition, this alteration is predicted to be tolerated by in silico analysis. Based on the available evidence, the clinical significance of this variant remains unclear.